The following is an entry in ClinVar:

ClinVar aggregate classification (germline): Uncertain significance. Review status: criteria provided, multiple submitters, no conflicts (2 of 4 stars). 2 submissions from 2 submitters: Uncertain significance (2). Last evaluated 2024-01-07.

Conditions:
Hereditary cancer-predisposing syndrome. Also called: Neoplastic Syndromes, Hereditary; Tumor predisposition; Hereditary Cancer Syndrome; Hereditary neoplastic syndrome. Identifiers: Orphanet 140162, MedGen C0027672, MeSH D009386, MONDO:0015356.
Cardiovascular phenotype. Identifiers: MedGen CN230736.

Allele frequency attached by ClinVar (database versions not stated): gnomAD exomes below 0.00001.
gnomAD v4.1: 1 of 1,613,646 alleles (0.000062%); highest among the groups gnomAD compares: Non-Finnish European, 0.000085%; no homozygotes.

Submissions (2):

Ambry Genetics
Classification: Uncertain significance for Cardiovascular phenotype; Hereditary cancer-predisposing syndrome. Last evaluated: 2024-01-07. Review status: criteria provided, single submitter. Criteria: Ambry Variant Classification Scheme 2023. Collection method: clinical testing. Allele origin: germline.
Comment: The p.A662T variant (also known as c.1984G>A), located in coding exon 17 of the LZTR1 gene, results from a G to A substitution at nucleotide position 1984. The alanine at codon 662 is replaced by threonine, an amino acid with similar properties. This amino acid position is conserved. In addition, this alteration is predicted to be tolerated by in silico analysis. Since supporting evidence is limited at this time, the clinical significance of this alteration remains unclear.

Labcorp Genetics (formerly Invitae), Labcorp
Classification: Uncertain significance. Last evaluated: 2023-12-13. Review status: criteria provided, single submitter. Criteria: Invitae Variant Classification Sherloc (09022015). Collection method: clinical testing. Allele origin: germline.
Comment: This sequence change replaces alanine, which is neutral and non-polar, with threonine, which is neutral and polar, at codon 662 of the LZTR1 protein (p.Ala662Thr). This variant is not present in population databases (gnomAD no frequency). This variant has not been reported in the literature in individuals affected with LZTR1-related conditions. Advanced modeling of protein sequence and biophysical properties (such as structural, functional, and spatial information, amino acid conservation, physicochemical variation, residue mobility, and thermodynamic stability) performed at Invitae indicates that this missense variant is not expected to disrupt LZTR1 protein function with a negative predictive value of 80%. In summary, the available evidence is currently insufficient to determine the role of this variant in disease. Therefore, it has been classified as a Variant of Uncertain Significance.

NM_006767.4(LZTR1):c.1984G>A (p.Ala662Thr)

Gene: LZTR1 (leucine zipper like post translational regulator 1; plus strand). Cytogenetic location: 22q11.21.
Variant type: single nucleotide variant.
Coding change: c.1984G>A on transcript NM_006767.4 (MANE Select); coding-DNA position 1984, G replaced by A.
Protein change: p.Ala662Thr; replaces alanine 662 with threonine.
Molecular consequence: missense variant.
Genome position (GRCh38, 1-based): chr22:20,995,787, G>A. VCF-style: chr22-20995787-G-A. GRCh37 (hg19) VCF-style: chr22-21350076-G-A.
Other names: c.1984G>A (NM_006767.3); short protein forms A662T.
Identifiers: ClinVar variation 2777435 (VCV002777435.4), dbSNP rs2518623849, ClinGen allele CA410779007.